The following is an entry in ClinVar:

NC_000009.12:g.(?_127843088)_(127843251_?)del

Gene: ENG (endoglin; minus strand). Cytogenetic location: 9q34.11.
Variant type: Deletion.
Identifiers: ClinVar variation 458322 (VCV000458322.1).

ClinVar aggregate classification (germline): Pathogenic (1 of 4 stars; one submission).

Conditions:
Telangiectasia, hereditary hemorrhagic, type 1 (HHT1). Also called: Osler Weber Rendu syndrome type 1; ENG-Related Hereditary Hemorrhagic Telangiectasia. Identifiers: Orphanet 774, MedGen C4551861, MONDO:0008535, OMIM 187300. Disease mechanism: loss of function.

Submission:

Labcorp Genetics (formerly Invitae), Labcorp
Classification: Pathogenic for Hereditary hemorrhagic telangiectasia. Last evaluated: 2017-06-02. Review status: criteria provided, single submitter. Criteria: Invitae Variant Classification Sherloc (09022015). Collection method: clinical testing. Allele origin: germline.
Comment: This variant is a gross deletion of the genomic region encompassing exon 2 of the ENG gene. This creates a premature translational stop signal and is expected to result in an absent or disrupted protein product. Loss-of-function variants in ENG are known to be pathogenic. A similar deletion of exon 2 has been reported in the literature in patients with personal and family history of epistaxis and telangiectasia and/or arteriovenous malformations (PMID: 20414677). For these reasons, this variant has been classified as Pathogenic.